The following is an entry in ClinVar:

ClinVar aggregate classification (germline): Benign/Likely benign. Review status: criteria provided, multiple submitters, no conflicts (2 of 4 stars). 2 submissions from 2 submitters: Benign (1); Likely benign (1). Last evaluated 2026-02-18.

Conditions:
ADCY10-related disorder. Also called: ADCY10-related condition.

gnomAD v4.1: 504 of 1,613,598 alleles (0.031%); highest among the groups gnomAD compares: South Asian, 0.47%; 8 homozygotes.

Submissions (2):

PreventionGenetics, part of Exact Sciences
Classification: Benign for ADCY10-related condition. Last evaluated: 2026-02-18. Review status: criteria provided, single submitter. Criteria: ACMG Guidelines, 2015. Collection method: clinical testing. Allele origin: germline.
Comment: This variant is classified as benign based on ACMG/AMP sequence variant interpretation guidelines (Richards et al. 2015 PMID: 25741868, with internal and published modifications).

Blueprint Genetics
Classification: Likely benign. Last evaluated: 2024-11-15. Review status: criteria provided, single submitter. Criteria: ACMG Guidelines, 2015. Collection method: clinical testing. Allele origin: germline.

NM_018417.6(ADCY10):c.3418-10C>T

Gene: ADCY10 (adenylate cyclase 10; minus strand). Cytogenetic location: 1q24.2.
Variant type: single nucleotide variant.
Coding change: c.3418-10C>T on transcript NM_018417.6 (MANE Select); 10 bases into the intron before coding-DNA position 3418, C replaced by T.
Molecular consequence: intron variant.
Genome position (GRCh38, 1-based): chr1:167,833,172, G>A on the plus strand (C>T on the coding strand, the complement: ADCY10 is on the minus strand). VCF-style: chr1-167833172-G-A. GRCh37 (hg19) VCF-style: chr1-167802410-G-A.
Other names: c.2959-10C>T (NM_001167749.3); c.3142-10C>T (NM_001297772.2); c.3418-10C>T (NM_018417.5).
Identifiers: ClinVar variation 4920521 (VCV004920521.2).
Genomic context (GRCh38, chr1:167,833,172, plus strand): 5'-CTTCCTCAGCATTTTCTTGGCAAGCACTATCTGGCCCATATTGAAACAGACCTACAGGGA[G>A]GTGGGAGGGAAGAGAGGAAAAGAGGAAAACGATGATTCTAACTTAATTAGTAGGTCCCAA-3'